The following is an entry in ClinVar:

NM_198578.4(LRRK2):c.3143C>T (p.Thr1048Ile)

Gene: LRRK2 (leucine rich repeat kinase 2; plus strand). Cytogenetic location: 12q12.
Variant type: single nucleotide variant.
Coding change: c.3143C>T on transcript NM_198578.4 (MANE Select); coding-DNA position 3143, C replaced by T.
Protein change: p.Thr1048Ile; replaces threonine 1048 with isoleucine.
Molecular consequence: missense variant.
Genome position (GRCh38, 1-based): chr12:40,298,289, C>T. VCF-style: chr12-40298289-C-T. GRCh37 (hg19) VCF-style: chr12-40692091-C-T.
Other names: short protein forms T1048I.
Identifiers: ClinVar variation 1728113 (VCV001728113.5), dbSNP rs2499745079, ClinGen allele CA384414198.

ClinVar aggregate classification (germline): Uncertain significance. Review status: criteria provided, multiple submitters, no conflicts (2 of 4 stars). 2 submissions from 2 submitters: Uncertain significance (2). Last evaluated 2024-10-21.

Conditions:
Autosomal dominant Parkinson disease 8. Also called: LRRK2-Related Parkinson Disease; Parkinson disease 8; Parkinson disease 8, susceptibility to. Identifiers: Orphanet 411602, MedGen C1846862, MONDO:0011764, OMIM 607060.
Inborn genetic diseases. Identifiers: MedGen C0950123, MeSH D030342.

Allele frequency attached by ClinVar (database versions not stated): gnomAD exomes below 0.00001.

Submissions (2):

Ambry Genetics
Classification: Uncertain significance for Inborn genetic diseases. Last evaluated: 2024-10-21. Review status: criteria provided, single submitter. Criteria: Ambry Variant Classification Scheme 2023. Collection method: clinical testing. Allele origin: germline.
Comment: The p.T1048I variant (also known as c.3143C>T), located in coding exon 24 of the LRRK2 gene, results from a C to T substitution at nucleotide position 3143. The threonine at codon 1048 is replaced by isoleucine, an amino acid with similar properties. This amino acid position is conserved. In addition, this alteration is predicted to be tolerated by in silico analysis. Since supporting evidence is limited at this time, the clinical significance of this alteration remains unclear.

Labcorp Genetics (formerly Invitae), Labcorp
Classification: Uncertain significance for Autosomal dominant Parkinson disease 8. Last evaluated: 2024-04-16. Review status: criteria provided, single submitter. Criteria: Invitae Variant Classification Sherloc (09022015). Collection method: clinical testing. Allele origin: germline.
Comment: This sequence change replaces threonine, which is neutral and polar, with isoleucine, which is neutral and non-polar, at codon 1048 of the LRRK2 protein (p.Thr1048Ile). This variant is not present in population databases (gnomAD no frequency). This variant has not been reported in the literature in individuals affected with LRRK2-related conditions. ClinVar contains an entry for this variant (Variation ID: 1728113). Advanced modeling of protein sequence and biophysical properties (such as structural, functional, and spatial information, amino acid conservation, physicochemical variation, residue mobility, and thermodynamic stability) has been performed at Invitae for this missense variant, however the output from this modeling did not meet the statistical confidence thresholds required to predict the impact of this variant on LRRK2 protein function. In summary, the available evidence is currently insufficient to determine the role of this variant in disease. Therefore, it has been classified as a Variant of Uncertain Significance.